The following is an entry in ClinVar:

NM_001029883.3(PCARE):c.2263G>A (p.Ala755Thr)

Gene: PCARE (photoreceptor cilium actin regulator; minus strand). Cytogenetic location: 2p23.2.
Variant type: single nucleotide variant.
Coding change: c.2263G>A on transcript NM_001029883.3 (MANE Select); coding-DNA position 2263, G replaced by A.
Protein change: p.Ala755Thr; replaces alanine 755 with threonine.
Molecular consequence: missense variant.
Genome position (GRCh38, 1-based): chr2:29,071,999, C>T on the plus strand (G>A on the coding strand, the complement: PCARE is on the minus strand). VCF-style: chr2-29071999-C-T. GRCh37 (hg19) VCF-style: chr2-29294865-C-T.
Other names: c.2263G>A (NM_001029883.2); short protein forms A755T.
Identifiers: ClinVar variation 1024023 (VCV001024023.7), dbSNP rs1002848166, ClinGen allele CA346477899.
Genomic context (GRCh38, chr2:29,071,999, plus strand): 5'-CAAGCCCTGTGTACTTGGGAAATCTGGGGGGCATGATGCAATTCCTGAGGCAGGGACTTG[C>T]CCCAGCGTCCTTAGAGTCCCCCAGCATCCTCAGACTCTCCGTGGGACTGAAAGTTTCAAT-3'
Protein context (NP_001025054.1, residues 745-765): RMLGDSKDAG[Ala755Thr]SPCLRNCIMP

ClinVar aggregate classification (germline): Uncertain significance. Review status: criteria provided, multiple submitters, no conflicts (2 of 4 stars). 2 submissions from 2 submitters: Uncertain significance (2). Last evaluated 2026-07-02.

Conditions:
PCARE-related disorder. Also called: PCARE-related condition.

Allele frequency attached by ClinVar (database versions not stated): gnomAD 0.00001; gnomAD exomes 0.00001 and 0.00003; TOPMed 0.00001.
gnomAD v4.1: 43 of 1,613,770 alleles (0.0027%); highest among the groups gnomAD compares: Non-Finnish European, 0.0034%; no homozygotes.

Submissions (2):

PreventionGenetics, part of Exact Sciences
Classification: Uncertain significance for PCARE-related condition. Last evaluated: 2026-07-02. Review status: criteria provided, single submitter. Criteria: ACMG Guidelines, 2015. Collection method: clinical testing. Allele origin: germline.
Comment: The PCARE c.2263G>A variant is predicted to result in the amino acid substitution p.Ala755Thr. To our knowledge, this variant has not been reported in the literature. This variant is present in 0.0026% of alleles in individuals of European (Non-Finnish) descent in gnomAD. At this time, the clinical significance of this variant is uncertain due to the absence of conclusive functional and genetic evidence.

Labcorp Genetics (formerly Invitae), Labcorp
Classification: Uncertain significance. Last evaluated: 2022-03-10. Review status: criteria provided, single submitter. Criteria: Invitae Variant Classification Sherloc (09022015). Collection method: clinical testing. Allele origin: germline.
Comment: Algorithms developed to predict the effect of missense changes on protein structure and function output the following: SIFT: "Tolerated"; PolyPhen-2: "Benign"; Align-GVGD: "Class C0". The threonine amino acid residue is found in multiple mammalian species, which suggests that this missense change does not adversely affect protein function. In summary, the available evidence is currently insufficient to determine the role of this variant in disease. Therefore, it has been classified as a Variant of Uncertain Significance. ClinVar contains an entry for this variant (Variation ID: 1024023). This variant has not been reported in the literature in individuals affected with PCARE-related conditions. This variant is present in population databases (no rsID available, gnomAD 0.004%). This sequence change replaces alanine, which is neutral and non-polar, with threonine, which is neutral and polar, at codon 755 of the PCARE protein (p.Ala755Thr).